The following is an entry in ClinVar:

NM_001374259.2(IL12RB2):c.118G>A (p.Val40Ile)

Gene: IL12RB2 (interleukin 12 receptor subunit beta 2; plus strand). Cytogenetic location: 1p31.3.
Variant type: single nucleotide variant.
Coding change: c.118G>A on transcript NM_001374259.2 (MANE Select); coding-DNA position 118, G replaced by A.
Protein change: p.Val40Ile; replaces valine 40 with isoleucine.
Molecular consequence: missense variant. On other transcripts: non-coding transcript variant (2).
Genome position (GRCh38, 1-based): chr1:67,321,643, G>A. VCF-style: chr1-67321643-G-A. GRCh37 (hg19) VCF-style: chr1-67787326-G-A.
Other names: c.118G>A, p.Val40Ile (NM_001258214.1, NM_001258215.1, NM_001258216.1 and 2 more transcripts); c.118G>A (NM_001559.2); short protein forms V40I.
Identifiers: ClinVar variation 1417513 (VCV001417513.10), dbSNP rs201942133, ClinGen allele CA900120.

ClinVar aggregate classification (germline): Uncertain significance. Review status: criteria provided, multiple submitters, no conflicts (2 of 4 stars). 2 submissions from 2 submitters: Uncertain significance (2). Last evaluated 2025-12-02.

Allele frequency attached by ClinVar (database versions not stated): gnomAD exomes below 0.00001; ExAC 0.00001; gnomAD 0.00004; TOPMed 0.00010; 1000 Genomes Project 0.00020; 1000 Genomes Project 30x 0.00031.
gnomAD v4.1: 12 of 1,606,760 alleles (0.00075%); highest among the groups gnomAD compares: Admixed American, 0.013%; no homozygotes.

Submissions (2):

Ambry Genetics
Classification: Uncertain significance. Last evaluated: 2025-12-02. Review status: criteria provided, single submitter. Criteria: Ambry Variant Classification Scheme 2023. Collection method: clinical testing. Allele origin: germline.

Labcorp Genetics (formerly Invitae), Labcorp
Classification: Uncertain significance. Last evaluated: 2025-10-13. Review status: criteria provided, single submitter. Criteria: Invitae Variant Classification Sherloc (09022015). Collection method: clinical testing. Allele origin: germline.
Comment: This sequence change replaces valine, which is neutral and non-polar, with isoleucine, which is neutral and non-polar, at codon 40 of the IL12RB2 protein (p.Val40Ile). This variant is present in population databases (rs201942133, gnomAD 0.003%). This variant has not been reported in the literature in individuals affected with IL12RB2-related conditions. ClinVar contains an entry for this variant (Variation ID: 1417513). An algorithm developed to predict the effect of missense changes on protein structure and function (PolyPhen-2) suggests that this variant is likely to be tolerated. In summary, the available evidence is currently insufficient to determine the role of this variant in disease. Therefore, it has been classified as a Variant of Uncertain Significance.